The following is an entry in ClinVar:

ClinVar aggregate classification (germline): Uncertain significance (1 of 4 stars; one submission).

Conditions:
Emery-Dreifuss muscular dystrophy 5, autosomal dominant (EDMD5). Also called: EMERY-DREIFUSS MUSCULAR DYSTROPHY 5. Identifiers: Orphanet 261, MedGen C2751805, MONDO:0013072, OMIM 612999.

Submission:

Labcorp Genetics (formerly Invitae), Labcorp
Classification: Uncertain significance for Emery-Dreifuss muscular dystrophy 5, autosomal dominant. Last evaluated: 2025-02-06. Review status: criteria provided, single submitter. Criteria: Invitae Variant Classification Sherloc (09022015). Collection method: clinical testing. Allele origin: germline.
Comment: This sequence change replaces glutamine, which is neutral and polar, with arginine, which is basic and polar, at codon 1247 of the SYNE2 protein (p.Gln1247Arg). This variant is present in population databases (rs766661398, gnomAD 0.007%). This variant has not been reported in the literature in individuals affected with SYNE2-related conditions. An algorithm developed to predict the effect of missense changes on protein structure and function outputs the following: PolyPhen-2: "Benign". The arginine amino acid residue is found in multiple mammalian species, which suggests that this missense change does not adversely affect protein function. In summary, the available evidence is currently insufficient to determine the role of this variant in disease. Therefore, it has been classified as a Variant of Uncertain Significance.

NM_182914.3(SYNE2):c.3740A>G (p.Gln1247Arg)

Gene: SYNE2 (spectrin repeat containing nuclear envelope protein 2; plus strand). Cytogenetic location: 14q23.2.
Variant type: single nucleotide variant.
Coding change: c.3740A>G on transcript NM_182914.3 (MANE Select); coding-DNA position 3740, A replaced by G.
Protein change: p.Gln1247Arg; replaces glutamine 1247 with arginine.
Molecular consequence: missense variant.
Genome position (GRCh38, 1-based): chr14:64,002,035, A>G. VCF-style: chr14-64002035-A-G. GRCh37 (hg19) VCF-style: chr14-64468753-A-G.
Other names: c.3740A>G, p.Gln1247Arg (NM_015180.6); short protein forms Q1247R.
Identifiers: ClinVar variation 4774458 (VCV004774458.1).